The following is an entry in ClinVar:

NM_015697.9(COQ2):c.8dup (p.Ile4fs)

Genes: COQ2 (coenzyme Q2, polyprenyltransferase; minus strand), LOC112997540 (Sharpr-MPRA regulatory region 13773; plus strand). Cytogenetic location: 4q21.23.
Variant type: Duplication.
Coding change: c.8dup on transcript NM_015697.9; coding-DNA position 8, one base duplicated (C; older notation c.8dupC).
Protein change: p.Ile4fs; shifts the reading frame from isoleucine 4.
Molecular consequence: frameshift variant.
Genome position (GRCh38, 1-based): chr4:83,284,907, G duplicated on the plus strand (C on the coding strand, the reverse complement: COQ2 is on the minus strand); the first of 4 consecutive G bases (chr4:83,284,907-83,284,910); duplicating any one gives the same sequence. VCF-style (leftmost placement, unchanged base first): chr4-83284906-T-TG. GRCh37 (hg19) VCF-style: chr4-84206059-T-TG.
Other names: short protein forms I4fs.
Identifiers: ClinVar variation 1959877 (VCV001959877.5), dbSNP rs1735435625, ClinGen allele CA1472726248.

ClinVar aggregate classification (germline): Uncertain significance (1 of 4 stars; one submission).

Submission:

Labcorp Genetics (formerly Invitae), Labcorp
Classification: Uncertain significance. Last evaluated: 2022-02-19. Review status: criteria provided, single submitter. Criteria: Invitae Variant Classification Sherloc (09022015). Collection method: clinical testing. Allele origin: germline.
Comment: This sequence change creates a premature translational stop signal (p.Ile4Asnfs*89) in the COQ2 gene. However, it is currently unclear if truncating variants that occur in this region of the gene cause disease. In summary, the available evidence is currently insufficient to determine the role of this variant in disease. Therefore, it has been classified as a Variant of Uncertain Significance. Experimental studies and prediction algorithms are not available or were not evaluated, and the functional significance of this variant is currently unknown. This variant has not been reported in the literature in individuals affected with COQ2-related conditions. This variant is not present in population databases (gnomAD no frequency).